The following is an entry in ClinVar:

ClinVar aggregate classification (germline): Pathogenic. Review status: criteria provided, multiple submitters, no conflicts (2 of 4 stars). 2 submissions from 2 submitters: Pathogenic (2). Last evaluated 2023-05-30.

Conditions:
Hereditary cancer-predisposing syndrome. Also called: Tumor predisposition; Hereditary Cancer Syndrome; Neoplastic Syndromes, Hereditary; Hereditary neoplastic syndrome. Identifiers: Orphanet 140162, MedGen C0027672, MeSH D009386, MONDO:0015356.
Familial cancer of breast. Also called: BREAST CANCER, FAMILIAL; Hereditary breast cancer; hereditary breast carcinoma. Identifiers: Orphanet 227535, MedGen C0346153, MONDO:0016419, OMIM 114480. Disease mechanism: loss of function.

Submissions (2):

Myriad Genetics, Inc.
Classification: Pathogenic for Familial cancer of breast. Last evaluated: 2023-05-30. Review status: criteria provided, single submitter. Criteria: Myriad Autosomal Dominant, Autosomal Recessive and X-Linked Classification Criteria (2023). Collection method: clinical testing. Allele origin: unknown.
Comment: This variant is considered pathogenic. This variant creates a termination codon and is predicted to result in premature protein truncation.

Ambry Genetics
Classification: Pathogenic for Hereditary cancer-predisposing syndrome. Last evaluated: 2019-06-07. Review status: criteria provided, single submitter. Criteria: Ambry Variant Classification Scheme 2023. Collection method: clinical testing. Allele origin: germline.
Comment: The p.S92* pathogenic mutation (also known as c.275C>G), located in coding exon 3 of the BRIP1 gene, results from a C to G substitution at nucleotide position 275. This changes the amino acid from a serine to a stop codon within coding exon 3. This alteration is expected to result in loss of function by premature protein truncation or nonsense-mediated mRNA decay. As such, this alteration is interpreted as a disease-causing mutation.

NM_032043.3(BRIP1):c.275C>G (p.Ser92Ter)

Gene: BRIP1 (BRCA1 interacting DNA helicase 1; minus strand). Cytogenetic location: 17q23.2.
Variant type: single nucleotide variant.
Coding change: c.275C>G on transcript NM_032043.3 (MANE Select); coding-DNA position 275, C replaced by G.
Protein change: p.Ser92Ter; replaces serine 92 with a stop codon.
Molecular consequence: nonsense.
Genome position (GRCh38, 1-based): chr17:61,857,162, G>C on the plus strand (C>G on the coding strand, the complement: BRIP1 is on the minus strand). VCF-style: chr17-61857162-G-C. GRCh37 (hg19) VCF-style: chr17-59934523-G-C.
Other names: short protein forms S92*.
Identifiers: ClinVar variation 821772 (VCV000821772.6), dbSNP rs1603366351, ClinGen allele CA400485478.